The following is an entry in ClinVar:

NM_024537.4(CARS2):c.1287C>T (p.His429=)

Gene: CARS2 (cysteinyl-tRNA synthetase 2, mitochondrial; minus strand). Cytogenetic location: 13q34.
Variant type: single nucleotide variant.
Coding change: c.1287C>T on transcript NM_024537.4 (MANE Select); coding-DNA position 1287, C replaced by T.
Protein change: p.His429=; no amino-acid change (histidine 429 retained).
Molecular consequence: synonymous variant. On other transcripts: non-coding transcript variant (2).
Genome position (GRCh38, 1-based): chr13:110,645,997, G>A on the plus strand (C>T on the coding strand, the complement: CARS2 is on the minus strand). VCF-style: chr13-110645997-G-A. GRCh37 (hg19) VCF-style: chr13-111298344-G-A.
Other names: c.501C>T, p.His167= (NM_001352252.2).
Identifiers: ClinVar variation 678992 (VCV000678992.22), dbSNP rs143945861, ClinGen allele CA7051848.

ClinVar aggregate classification (germline): Likely benign. Review status: criteria provided, multiple submitters, no conflicts (2 of 4 stars). 5 submissions from 5 submitters: Likely benign (5). Last evaluated 2026-02-02.

Conditions:
Combined oxidative phosphorylation defect type 27. Also called: Combined oxidative phosphorylation deficiency 27. Identifiers: Orphanet 477774, MedGen C5567608, MONDO:0014728, OMIM 616672.

Allele frequency attached by ClinVar (database versions not stated): 1000 Genomes Project 30x 0.00016; 1000 Genomes Project 0.00020; ExAC 0.00033; gnomAD 0.00040 and 0.00041; TOPMed 0.00042; ESP Exome Variant Server 0.00046.
gnomAD v4.1: 637 of 1,613,940 alleles (0.039%); highest among the groups gnomAD compares: Admixed American, 0.05%; no homozygotes.

Submissions (5):

Labcorp Genetics (formerly Invitae), Labcorp
Classification: Likely benign for Combined oxidative phosphorylation defect type 27. Last evaluated: 2026-02-02. Review status: criteria provided, single submitter. Criteria: Invitae Variant Classification Sherloc (09022015). Collection method: clinical testing. Allele origin: germline.

CeGaT Center for Human Genetics Tuebingen
Classification: Likely benign. Last evaluated: 2025-03-01. Review status: criteria provided, single submitter. Criteria: CeGaT Center For Human Genetics Tuebingen Variant Classification Criteria Version 2. Collection method: clinical testing. Allele origin: germline. Affected: yes. Observed: 1 variant allele.
Comment: CARS2: BP4, BP7

Blueprint Genetics
Classification: Likely benign. Last evaluated: 2024-11-08. Review status: criteria provided, single submitter. Criteria: ACMG Guidelines, 2015. Collection method: clinical testing. Allele origin: germline.

GeneDx
Classification: Likely benign. Last evaluated: 2020-01-13. Review status: criteria provided, single submitter. Criteria: GeneDx Variant Classification Process June 2021. Collection method: clinical testing. Allele origin: germline. Affected: yes.

Breakthrough Genomics
Classification: Likely benign. Review status: criteria provided, single submitter. Criteria: ACMG Guidelines, 2015. Collection method: not provided. Allele origin: germline. Inheritance: Autosomal recessive inheritance. Affected: yes.